The following is an entry in ClinVar:

NM_002016.2(FLG):c.10580C>A (p.Ala3527Glu)

Genes: CCDST (cervical cancer associated DHX9 suppressive transcript; plus strand), FLG (filaggrin; minus strand). Cytogenetic location: 1q21.3.
Variant type: single nucleotide variant.
Coding change: c.10580C>A on transcript NM_002016.2 (MANE Select); coding-DNA position 10580, C replaced by A.
Protein change: p.Ala3527Glu; replaces alanine 3527 with glutamic acid.
Molecular consequence: missense variant.
Genome position (GRCh38, 1-based): chr1:152,304,306, G>T on the plus strand (C>A on the coding strand, the complement: FLG is on the minus strand). VCF-style: chr1-152304306-G-T. GRCh37 (hg19) VCF-style: chr1-152276782-G-T.
Other names: short protein forms A3527E.
Identifiers: ClinVar variation 4819700 (VCV004819700.1).
Genomic context (GRCh38, chr1:152,304,306, plus strand): 5'-CCCTGACTGTCACTGTCCTGGCTAACACTGGATCCCTGGTTCCTGCTTGTCCTGGGCCCC[G>T]CTGATTGTCCCTGGCCGGACTGTGAGTGTCTAGAGCTGTCCGCCTGAGTGGAAGCTTCAT-3'
Protein context (NP_002007.1, residues 3517-3537): RHSQSGQGQS[Ala3527Glu]GPRTSRNQGS

ClinVar aggregate classification (germline): Benign (1 of 4 stars; one submission).

Conditions:
Ichthyosis vulgaris. Also called: ICHTHYOSIS SIMPLEX; Dominant ichthyosis vulgaris. Identifiers: MedGen C0079584, MONDO:0024304, OMIM 146700.

Submission:

Center for Human Genetics and Genomic Medicine, Uniklinik Rwth Aachen
Classification: Benign for Ichthyosis vulgaris. Last evaluated: 2026-03-27. Review status: criteria provided, single submitter. Criteria: ACMG Guidelines, 2015. Collection method: clinical testing. Allele origin: germline. Affected: no. Observed: 20 variant alleles.
Comment: Observed in 20 unaffected individuals, 1x homozygous (681 het and 214 homozygous in gnomAD)